The following is an entry in ClinVar:

NM_001142800.2(EYS):c.7842C>A (p.Cys2614Ter)

Gene: EYS (EGF-like photoreceptor maintenance factor; minus strand). Cytogenetic location: 6q12.
Variant type: single nucleotide variant.
Coding change: c.7842C>A on transcript NM_001142800.2 (MANE Select); coding-DNA position 7842, C replaced by A.
Protein change: p.Cys2614Ter; replaces cysteine 2614 with a stop codon.
Molecular consequence: nonsense.
Genome position (GRCh38, 1-based): chr6:63,778,062, G>T on the plus strand (C>A on the coding strand, the complement: EYS is on the minus strand). VCF-style: chr6-63778062-G-T. GRCh37 (hg19) VCF-style: chr6-64487955-G-T.
Other names: c.7842C>A, p.Cys2614Ter (NM_001292009.2); c.7842C>A (NM_001142800.1); short protein forms C2614*.
Identifiers: ClinVar variation 1069602 (VCV001069602.11), dbSNP rs374494800, ClinGen allele CA3876772.

ClinVar aggregate classification (germline): Pathogenic/Likely pathogenic. Review status: criteria provided, multiple submitters, no conflicts (2 of 4 stars). 5 submissions from 5 submitters: Pathogenic (1); Likely pathogenic (4). Last evaluated 2026-03-12.

Conditions:
EYS-related disorder. Also called: EYS-related condition.
Retinitis pigmentosa 25 (RP25). Identifiers: Orphanet 791, MedGen C1864446, MONDO:0011272, OMIM 602772.

Allele frequency attached by ClinVar (database versions not stated): TOPMed 0.00001; gnomAD 0.00002 and 0.00001; ExAC 0.00005; ESP Exome Variant Server 0.00022; gnomAD exomes 0.00001.
gnomAD v4.1: 19 of 1,551,520 alleles (0.0012%); highest among the groups gnomAD compares: Non-Finnish European, 0.0016%; no homozygotes.

Submissions (5):

PreventionGenetics, part of Exact Sciences
Classification: Likely pathogenic for EYS-related condition. Last evaluated: 2026-03-12. Review status: criteria provided, single submitter. Criteria: ACMG Guidelines, 2015. Collection method: clinical testing. Allele origin: germline.
Comment: The EYS c.7842C>A variant is predicted to result in premature protein termination (p.Cys2614*). To our knowledge, this variant has not been reported in the literature. This variant is reported in 0.0016% of alleles in individuals of European (Non-Finnish) descent in gnomAD. Nonsense variants in EYS are expected to be pathogenic. This variant is interpreted as likely pathogenic.

Natera, Inc.
Classification: Likely pathogenic for Retinitis pigmentosa type 25. Last evaluated: 2025-12-31. Review status: criteria provided, single submitter. Criteria: Natera Variant Classification Schema (03/2026). Collection method: clinical testing. Allele origin: germline.
Comment: The c.7842C>A variant in EYS is a nonsense variant predicted to introduce a stop codon at amino acid 2614. This variant is expected to result in nonsense mediated decay, truncation, or a dysfunctional protein product. This variant is rare in the general population with a frequency below the threshold expected for the associated phenotype(s). Given the available evidence, this variant is classified as Likely Pathogenic.

Labcorp Genetics (formerly Invitae), Labcorp
Classification: Pathogenic. Last evaluated: 2025-12-01. Review status: criteria provided, single submitter. Criteria: Invitae Variant Classification Sherloc (09022015). Collection method: clinical testing. Allele origin: germline.
Comment: This sequence change creates a premature translational stop signal (p.Cys2614*) in the EYS gene. It is expected to result in an absent or disrupted protein product. Loss-of-function variants in EYS are known to be pathogenic (PMID: 18836446, 20333770). The frequency data for this variant in the population databases is considered unreliable, as metrics indicate poor data quality at this position in the gnomAD database. This variant has not been reported in the literature in individuals affected with EYS-related conditions. ClinVar contains an entry for this variant (Variation ID: 1069602). For these reasons, this variant has been classified as Pathogenic.

Blueprint Genetics
Classification: Likely pathogenic for EYS-related disorders. Last evaluated: 2024-02-28. Review status: criteria provided, single submitter. Criteria: ACMG Guidelines, 2015. Collection method: clinical testing. Allele origin: germline. Affected: yes. Observed: 4 variant alleles.

Baylor Genetics
Classification: Likely pathogenic for Retinitis pigmentosa 25. Last evaluated: 2023-08-22. Review status: criteria provided, single submitter. Criteria: ACMG Guidelines, 2015. Collection method: clinical testing. Allele origin: unknown.

Literature cited by the submitters: PubMed 18836446 (cited by Labcorp Genetics (formerly Invitae), Labcorp); PubMed 20333770 (cited by Labcorp Genetics (formerly Invitae), Labcorp).